The following is an entry in ClinVar:

ClinVar aggregate classification (germline): Uncertain significance (1 of 4 stars; one submission).

Conditions:
Pyogenic bacterial infections due to MyD88 deficiency (IMD68). Also called: PYOGENIC BACTERIAL INFECTIONS, RECURRENT, DUE TO MYD88 DEFICIENCY. Identifiers: Orphanet 183713, MedGen C2677092, MONDO:0012839, OMIM 612260.

gnomAD v4.1: 1 of 1,614,238 alleles (0.000062%); highest among the groups gnomAD compares: Admixed American, 0.0017%; no homozygotes.

Submission:

Labcorp Genetics (formerly Invitae), Labcorp
Classification: Uncertain significance for Pyogenic bacterial infections due to MyD88 deficiency. Last evaluated: 2025-09-30. Review status: criteria provided, single submitter. Criteria: Invitae Variant Classification Sherloc (09022015). Collection method: clinical testing. Allele origin: germline.
Comment: This sequence change replaces glutamine, which is neutral and polar, with arginine, which is basic and polar, at codon 194 of the MYD88 protein (p.Gln194Arg). This variant is present in population databases (no rsID available, gnomAD 0.003%). This variant has not been reported in the literature in individuals affected with MYD88-related conditions. An algorithm developed to predict the effect of missense changes on protein structure and function outputs the following: PolyPhen-2: "Benign". The arginine amino acid residue is found in multiple mammalian species, which suggests that this missense change does not adversely affect protein function. In summary, the available evidence is currently insufficient to determine the role of this variant in disease. Therefore, it has been classified as a Variant of Uncertain Significance.

NM_002468.5(MYD88):c.542A>G (p.Gln181Arg)

Gene: MYD88 (MYD88 innate immune signal transduction adaptor; plus strand). Cytogenetic location: 3p22.2.
Variant type: single nucleotide variant.
Coding change: c.542A>G on transcript NM_002468.5 (MANE Select); coding-DNA position 542, A replaced by G.
Protein change: p.Gln181Arg; replaces glutamine 181 with arginine.
Molecular consequence: missense variant. On other transcripts: intron variant (2).
Genome position (GRCh38, 1-based): chr3:38,140,466, A>G. VCF-style: chr3-38140466-A-G. GRCh37 (hg19) VCF-style: chr3-38181957-A-G.
Other names: c.542A>G, p.Gln181Arg (NM_001172567.2, NM_001365876.1, NM_001374787.1); c.407A>G, p.Gln136Arg (NM_001172568.2, NM_001365877.1); c.464-291A>G (NM_001172569.3); c.329-291A>G (NM_001172566.2); short protein forms Q194R, Q136R, Q181R.
Identifiers: ClinVar variation 4741337 (VCV004741337.1).